The following is an entry in ClinVar:

ClinVar aggregate classification (germline): Uncertain significance (1 of 4 stars; one submission).

Submission:

Labcorp Genetics (formerly Invitae), Labcorp
Classification: Uncertain significance. Last evaluated: 2024-01-17. Review status: criteria provided, single submitter. Criteria: Invitae Variant Classification Sherloc (09022015). Collection method: clinical testing. Allele origin: germline.
Comment: This sequence change replaces glycine, which is neutral and non-polar, with glutamic acid, which is acidic and polar, at codon 272 of the CAD protein (p.Gly272Glu). This variant is not present in population databases (gnomAD no frequency). This variant has not been reported in the literature in individuals affected with CAD-related conditions. ClinVar contains an entry for this variant (Variation ID: 1392739). An algorithm developed to predict the effect of missense changes on protein structure and function (PolyPhen-2) suggests that this variant is likely to be disruptive. In summary, the available evidence is currently insufficient to determine the role of this variant in disease. Therefore, it has been classified as a Variant of Uncertain Significance.

NM_004341.5(CAD):c.815G>A (p.Gly272Glu)

Gene: CAD (carbamoyl-phosphate synthetase 2, aspartate transcarbamylase, and dihydroorotase; plus strand). Cytogenetic location: 2p23.3.
Variant type: single nucleotide variant.
Coding change: c.815G>A on transcript NM_004341.5 (MANE Select); coding-DNA position 815, G replaced by A.
Protein change: p.Gly272Glu; replaces glycine 272 with glutamic acid.
Molecular consequence: missense variant.
Genome position (GRCh38, 1-based): chr2:27,223,568, G>A. VCF-style: chr2-27223568-G-A. GRCh37 (hg19) VCF-style: chr2-27446436-G-A.
Other names: c.815G>A, p.Gly272Glu (NM_001306079.2); short protein forms G272E.
Identifiers: ClinVar variation 1392739 (VCV001392739.8), dbSNP rs2148061678, ClinGen allele CA346201476.